The following is an entry in ClinVar:

NM_017654.4(SAMD9):c.2599C>A (p.Leu867Ile)

Gene: SAMD9 (sterile alpha motif domain containing 9; minus strand). Cytogenetic location: 7q21.2.
Variant type: single nucleotide variant.
Coding change: c.2599C>A on transcript NM_017654.4 (MANE Select); coding-DNA position 2599, C replaced by A.
Protein change: p.Leu867Ile; replaces leucine 867 with isoleucine.
Molecular consequence: missense variant.
Genome position (GRCh38, 1-based): chr7:93,103,499, G>T on the plus strand (C>A on the coding strand, the complement: SAMD9 is on the minus strand). VCF-style: chr7-93103499-G-T. GRCh37 (hg19) VCF-style: chr7-92732812-G-T.
Other names: c.2599C>A, p.Leu867Ile (NM_001193307.2); short protein forms L867I.
Identifiers: ClinVar variation 4824710 (VCV004824710.1).

ClinVar aggregate classification (germline): Uncertain significance (1 of 4 stars; one submission).

Conditions:
Inborn genetic diseases. Identifiers: MedGen C0950123, MeSH D030342.

Submission:

Ambry Genetics
Classification: Uncertain significance for Inborn genetic diseases. Last evaluated: 2026-02-19. Review status: criteria provided, single submitter. Criteria: Ambry Variant Classification Scheme 2023. Collection method: clinical testing. Allele origin: germline.
Comment: The p.L867I variant (also known as c.2599C>A), located in coding exon 1 of the SAMD9 gene, results from a C to A substitution at nucleotide position 2599. The leucine at codon 867 is replaced by isoleucine, an amino acid with highly similar properties. This amino acid position is conserved. In addition, this alteration is predicted to be tolerated by in silico analysis. Based on the available evidence, the clinical significance of this variant remains unclear.